The following is an entry in ClinVar:

NC_012920.1(MT-CO1):m.6267G>A

Gene: MT-CO1 (mitochondrially encoded cytochrome c oxidase I; plus strand).
Variant type: single nucleotide variant.
Genome position: chrM-6267-G-A.
Identifiers: ClinVar variation 692633 (VCV000692633.1), dbSNP rs202216551, ClinGen allele CA337097359.

ClinVar aggregate classification (germline): Benign (1 of 4 stars; one submission).

Conditions:
Leigh syndrome (NULS). Also called: Leigh's necrotizing encephalopathy; Leigh's disease; Leigh Syndrome (mtDNA deletion); Leigh Disease; Subacute necrotizing encephalopathy; Necrotizing encephalopathy infantile subacute of Leigh. Identifiers: Orphanet 506, MedGen C2931891, MONDO:0009723, OMIM 256000.

Submission:

Wong Mito Lab, Molecular and Human Genetics, Baylor College of Medicine
Classification: Benign for Leigh syndrome. Last evaluated: 2019-10-17. Review status: criteria provided, single submitter. Criteria: Modified ACMG Guidelines (Unpublished). Collection method: clinical testing. Allele origin: germline.
Comment: The NC_012920.1:m.6267G>A (YP_003024028.1:p.Ala122Thr) variant in MTCO1 gene is interpretated to be a Benign variant based on the modified ACMG guidelines (unpublished). This variant meets the following evidence codes: BS1, BS2, BP4